The following is an entry in ClinVar:

NM_138701.4(MPLKIP):c.397delinsGGA (p.Ser133fs)

Gene: MPLKIP (M-phase specific PLK1 interacting protein; minus strand). Cytogenetic location: 7p14.1.
Variant type: Indel.
Coding change: c.397delinsGGA on transcript NM_138701.4 (MANE Select); coding-DNA position 397, T replaced by GGA.
Protein change: p.Ser133fs; shifts the reading frame from serine 133.
Molecular consequence: frameshift variant.
Genome position (GRCh38, 1-based): chr7:40,133,202, A replaced by TCC on the plus strand (T replaced by GGA on the coding strand, the reverse complement: MPLKIP is on the minus strand). VCF-style: chr7-40133202-A-TCC. GRCh37 (hg19) VCF-style: chr7-40172801-A-TCC.
Other names: c.397delTinsGGA (NM_138701.4); short protein forms S133fs.
Identifiers: ClinVar variation 3242125 (VCV003242125.1), dbSNP rs2484133876.

ClinVar aggregate classification (germline): Likely pathogenic (1 of 4 stars; one submission).

Conditions:
Trichothiodystrophy 4, nonphotosensitive. Also called: AMISH BRITTLE HAIR BRAIN SYNDROME; BIDS SYNDROME; HAIR-BRAIN SYNDROME; Trichothiodystrophy nonphotosensitive. Identifiers: MedGen C1313961, MONDO:0021013, OMIM 234050.

Submission:

Neuberg Centre For Genomic Medicine, NCGM
Classification: Likely pathogenic for Trichothiodystrophy 4, nonphotosensitive. Review status: criteria provided, single submitter. Criteria: ACMG Guidelines, 2015. Collection method: clinical testing. Allele origin: germline. Inheritance: Autosomal recessive inheritance. Affected: yes.
Comment: The observed frameshift variant c.397delTinsGGA (p.Ser133GlyfsTer21) in the MPLKIP gene has not been reported previously as a pathogenic variant nor as a benign variant, to our knowledge. The variant is absent in gnomAD Exomes database. This variant has not been submitted to the ClinVar database. This variant causes a frameshift starting with codon Serine 133, changes this amino acid to Glycine residue, and creates a premature Stop codon at position 21 of the new reading frame. This variant is predicted to cause loss of normal protein function through protein truncation. Loss of function variants in MPLKIP gene have been previously reported to be disease causing (Botta E, et al. 2007). A downstream frameshift pathogenic variant has previously been reported to be pathogenic (Pode-Shakked et al. 2015). However, since this variant is present in the last exon, additional studies will be required to prove the pathogenicity of this variant. For these reasons, this variant has been classified as Likely Pathogenic.